The following is an entry in ClinVar:

ClinVar aggregate classification (germline): Uncertain significance (1 of 4 stars; one submission).

gnomAD v4.1: 1 of 1,613,960 alleles (0.000062%); highest among the groups gnomAD compares: Non-Finnish European, 0.000085%; no homozygotes.

Submission:

Women's Health and Genetics/Laboratory Corporation of America, LabCorp
Classification: Uncertain significance. Last evaluated: 2024-07-11. Review status: criteria provided, single submitter. Criteria: LabCorp Variant Classification Summary - May 2015. Collection method: clinical testing. Allele origin: germline.
Comment: Variant summary: ABCA3 c.757G>T (p.Asp253Tyr) results in a non-conservative amino acid change in the encoded protein sequence. Five of five in-silico tools predict a damaging effect of the variant on protein function. The variant allele was found at a frequency of 4e-06 in 251248 control chromosomes. The available data on variant occurrences in the general population are insufficient to allow any conclusion about variant significance. c.757G>T has been reported in the literature in at-least one individual affected with Fatal surfactant deficiency (Garmany_2006, Wambach_2014). These report(s) do not provide unequivocal conclusions about association of the variant with Pulmonary surfactant metabolism dysfunction. To our knowledge, no experimental evidence demonstrating an impact on protein function has been reported. No submitters have cited clinical-significance assessments for this variant to ClinVar. The following publications have been ascertained in the context of this evaluation (PMID: 16641205, 24871971). Based on the evidence outlined above, the variant was classified as uncertain significance.

Literature cited by the submitters: PubMed 24871971; PubMed 16641205.

NM_001089.3(ABCA3):c.757G>T (p.Asp253Tyr)

Gene: ABCA3 (ATP binding cassette subfamily A member 3; minus strand). Cytogenetic location: 16p13.3.
Variant type: single nucleotide variant.
Coding change: c.757G>T on transcript NM_001089.3 (MANE Select); coding-DNA position 757, G replaced by T.
Protein change: p.Asp253Tyr; replaces aspartic acid 253 with tyrosine.
Molecular consequence: missense variant.
Genome position (GRCh38, 1-based): chr16:2,319,697, C>A on the plus strand (G>T on the coding strand, the complement: ABCA3 is on the minus strand). VCF-style: chr16-2319697-C-A. GRCh37 (hg19) VCF-style: chr16-2369698-C-A.
Other names: short protein forms D253Y.
Identifiers: ClinVar variation 3338953 (VCV003338953.1).